The following is an entry in ClinVar:

ClinVar aggregate classification (germline): Uncertain significance (1 of 4 stars; one submission).

Conditions:
Myofibrillar myopathy 5. Also called: Filaminopathy (type); FILAMINOPATHY, AUTOSOMAL DOMINANT. Identifiers: Orphanet 171445, MedGen C1836050, MONDO:0012289, OMIM 609524.
Distal myopathy with posterior leg and anterior hand involvement. Also called: WILLIAMS DISTAL MYOPATHY. Identifiers: Orphanet 63273, MedGen C3279722, MONDO:0013550, OMIM 614065.
Hypertrophic cardiomyopathy 26. Also called: Cardiomyopathy, familial hypertrophic, 26. Identifiers: Orphanet 75249, MedGen C4310749, MONDO:0014883, OMIM 617047.

Submission:

Labcorp Genetics (formerly Invitae), Labcorp
Classification: Uncertain significance for Distal myopathy with posterior leg and anterior hand involvement; Myofibrillar myopathy 5; Hypertrophic cardiomyopathy 26. Last evaluated: 2024-01-26. Review status: criteria provided, single submitter. Criteria: Invitae Variant Classification Sherloc (09022015). Collection method: clinical testing. Allele origin: germline.
Comment: This sequence change falls in intron 19 of the FLNC gene. It does not directly change the encoded amino acid sequence of the FLNC protein. It affects a nucleotide within the consensus splice site. This variant is not present in population databases (gnomAD no frequency). This variant has not been reported in the literature in individuals affected with FLNC-related conditions. Variants that disrupt the consensus splice site are a relatively common cause of aberrant splicing (PMID: 17576681, 9536098). Algorithms developed to predict the effect of sequence changes on RNA splicing suggest that this variant may disrupt the consensus splice site. In summary, the available evidence is currently insufficient to determine the role of this variant in disease. Therefore, it has been classified as a Variant of Uncertain Significance.

Literature cited by the submitters: PubMed 17576681; PubMed 9536098.

NM_001458.5(FLNC):c.2929+5G>A

Gene: FLNC (filamin C; plus strand). Cytogenetic location: 7q32.1.
Variant type: single nucleotide variant.
Coding change: c.2929+5G>A on transcript NM_001458.5 (MANE Select); 5 bases into the intron after coding-DNA position 2929, G replaced by A.
Molecular consequence: intron variant.
Genome position (GRCh38, 1-based): chr7:128,843,918, G>A. VCF-style: chr7-128843918-G-A. GRCh37 (hg19) VCF-style: chr7-128483972-G-A.
Other names: c.2929+5G>A (NM_001127487.2).
Identifiers: ClinVar variation 2950865 (VCV002950865.3), dbSNP rs2536634975, ClinGen allele CA2740097569.
Genomic context (GRCh38, chr7:128,843,918, plus strand): 5'-GAATGTGGCACCCCCGCTGGACCTCAGCAAAATCAAAGTTCAGGGCCTTAATAGCAGTAA[G>A]TGGGGCAAGAGCCACCCTGGGAGTGAGGGGTATTCGGGTAGGGTGGACCGGAGTCTCCTC-3'